The following is an entry in ClinVar:

NM_001024630.4(RUNX2):c.581-9T>C

Gene: RUNX2 (RUNX family transcription factor 2; plus strand). Cytogenetic location: 6p21.1.
Variant type: single nucleotide variant.
Coding change: c.581-9T>C on transcript NM_001024630.4 (MANE Select); 9 bases into the intron before coding-DNA position 581, T replaced by C.
Molecular consequence: intron variant.
Genome position (GRCh38, 1-based): chr6:45,437,938, T>C. VCF-style: chr6-45437938-T-C. GRCh37 (hg19) VCF-style: chr6-45405675-T-C.
Other names: c.581-9T>C (NM_001015051.4); c.539-9T>C (NM_001369405.1, NM_001278478.2).
Identifiers: ClinVar variation 357091 (VCV000357091.22), dbSNP rs374414428, ClinGen allele CA3836436.

ClinVar aggregate classification (germline): Benign/Likely benign. Review status: criteria provided, multiple submitters, no conflicts (2 of 4 stars). 4 submissions from 4 submitters: Benign (1); Likely benign (2). 1 of the submissions does not count toward it. Last evaluated 2025-08-05.

Conditions:
RUNX2-related disorder. Also called: RUNX2-related condition.
Cleidocranial dysostosis (CLCD1). Also called: cleidocranial dysplasia 1; Marie-Sainton disease; Cleidocranial Dysplasia Spectrum Disorder. Identifiers: Orphanet 1452, MedGen C0008928, MONDO:0007340, OMIM 119600.

Allele frequency attached by ClinVar (database versions not stated): TOPMed 0.00008; gnomAD 0.00010 and 0.00011; ExAC 0.00012; gnomAD exomes 0.00012; ESP Exome Variant Server 0.00015.
gnomAD v4.1: 186 of 1,595,122 alleles (0.012%); highest among the groups gnomAD compares: Non-Finnish European, 0.015%; no homozygotes.

Submissions (4):

Labcorp Genetics (formerly Invitae), Labcorp
Classification: Likely benign. Last evaluated: 2025-08-05. Review status: criteria provided, single submitter. Criteria: Invitae Variant Classification Sherloc (09022015). Collection method: clinical testing. Allele origin: germline.

ARUP Laboratories, Molecular Genetics and Genomics, ARUP Laboratories
Classification: Likely benign. Last evaluated: 2020-06-08. Review status: criteria provided, single submitter. Criteria: ARUP Molecular Germline Variant Investigation Process. Collection method: clinical testing. Allele origin: germline.

Illumina Laboratory Services, Illumina
Classification: Benign for Cleidocranial dysostosis. Last evaluated: 2018-01-13. Review status: criteria provided, single submitter. Criteria: ICSL Variant Classification Criteria 13 December 2019. Collection method: clinical testing. Allele origin: germline.
Comment: This variant was observed in the ICSL laboratory as part of a predisposition screen in an ostensibly healthy population. It had not been previously curated by ICSL or reported in the Human Gene Mutation Database (HGMD: prior to June 1st, 2018), and was therefore a candidate for classification through an automated scoring system. Utilizing variant allele frequency, disease prevalence and penetrance estimates, and inheritance mode, an automated score was calculated to assess if this variant is too frequent to cause the disease. Based on the score and internal cut-off values, a variant classified as benign is not then subjected to further curation. The score for this variant resulted in a classification of benign for this disease.

PreventionGenetics, part of Exact Sciences
Classification: Likely benign for RUNX2-related condition. Last evaluated: 2019-06-06. Review status: no assertion criteria provided. Collection method: clinical testing. Allele origin: germline. Not counted in ClinVar's aggregate classification.
Comment: This variant is classified as likely benign based on ACMG/AMP sequence variant interpretation guidelines (Richards et al. 2015 PMID: 25741868, with internal and published modifications).